The following is an entry in ClinVar:

NM_002471.4(MYH6):c.3598_3600del (p.Asp1200del)

Gene: MYH6 (myosin heavy chain 6; minus strand). Cytogenetic location: 14q11.2.
Variant type: Deletion.
Coding change: c.3598_3600del on transcript NM_002471.4 (MANE Select); coding-DNA positions 3598 to 3600, 3 bases deleted (GAC; older notation c.3598_3600delGAC).
Protein change: p.Asp1200del; deletes aspartic acid 1200.
Molecular consequence: inframe deletion.
Genome position (GRCh38, 1-based): chr14:23,390,189-23,390,191, GTC deleted on the plus strand (GAC on the coding strand, the reverse complement: MYH6 is on the minus strand); deleting any 3 consecutive bases within chr14:23,390,189-23,390,192 gives the same sequence; the c. name uses the placement nearest the transcript's 3' end. VCF-style (leftmost placement, unchanged base first): chr14-23390188-TGTC-T. GRCh37 (hg19) VCF-style: chr14-23859397-TGTC-T.
Other names: c.3598_3600delGAC (NM_002471.3); short protein forms D1200del.
Identifiers: ClinVar variation 2062378 (VCV002062378.5), dbSNP rs2502159480, ClinGen allele CA2575485884.

ClinVar aggregate classification (germline): Uncertain significance. Review status: criteria provided, multiple submitters, no conflicts (2 of 4 stars). 2 submissions from 2 submitters: Uncertain significance (2). Last evaluated 2024-07-05.

Conditions:
Cardiovascular phenotype. Identifiers: MedGen CN230736.
Hypertrophic cardiomyopathy 14. Identifiers: MedGen C2750467, MONDO:0013197, OMIM 613251.

Submissions (2):

Ambry Genetics
Classification: Uncertain significance for Cardiovascular phenotype. Last evaluated: 2024-07-05. Review status: criteria provided, single submitter. Criteria: Ambry Variant Classification Scheme 2023. Collection method: clinical testing. Allele origin: germline.
Comment: The c.3598_3600delGAC variant (also known as p.D1200del) is located in coding exon 24 of the MYH6 gene. This variant results from an in-frame GAC deletion at nucleotide positions 3598 to 3600. This results in the in-frame deletion of an aspartic acid at codon 1200. This amino acid position is highly conserved in available vertebrate species. In addition, this alteration is predicted to be deleterious by in silico analysis (Choi Y et al. PLoS ONE. 2012; 7(10):e46688). Based on the available evidence, the clinical significance of this variant remains unclear.

Labcorp Genetics (formerly Invitae), Labcorp
Classification: Uncertain significance for Hypertrophic cardiomyopathy 14. Last evaluated: 2022-08-13. Review status: criteria provided, single submitter. Criteria: Invitae Variant Classification Sherloc (09022015). Collection method: clinical testing. Allele origin: germline.
Comment: In summary, the available evidence is currently insufficient to determine the role of this variant in disease. Therefore, it has been classified as a Variant of Uncertain Significance. Experimental studies and prediction algorithms are not available or were not evaluated, and the functional significance of this variant is currently unknown. This variant has not been reported in the literature in individuals affected with MYH6-related conditions. This variant is not present in population databases (gnomAD no frequency). This variant, c.3598_3600del, results in the deletion of 1 amino acid(s) of the MYH6 protein (p.Asp1200del), but otherwise preserves the integrity of the reading frame.